The following is an entry in ClinVar:

ClinVar aggregate classification (germline): Uncertain significance. Review status: criteria provided, multiple submitters, no conflicts (2 of 4 stars). 2 submissions from 2 submitters: Uncertain significance (2). Last evaluated 2025-07-05.

Conditions:
Hereditary cancer-predisposing syndrome. Also called: Neoplastic Syndromes, Hereditary; Tumor predisposition; Hereditary Cancer Syndrome; Hereditary neoplastic syndrome. Identifiers: Orphanet 140162, MedGen C0027672, MeSH D009386, MONDO:0015356.

Submissions (2):

Ambry Genetics
Classification: Uncertain significance for Hereditary cancer-predisposing syndrome. Last evaluated: 2025-07-05. Review status: criteria provided, single submitter. Criteria: Ambry Variant Classification Scheme 2023. Collection method: clinical testing. Allele origin: germline.
Comment: The p.K2163R variant (also known as c.6488A>G), located in coding exon 15 of the APC gene, results from an A to G substitution at nucleotide position 6488. The lysine at codon 2163 is replaced by arginine, an amino acid with highly similar properties. This amino acid position is conserved. In addition, in silico predictors for this gene do not accurately predict pathogenicity. Since supporting evidence is limited at this time, the clinical significance of this alteration remains unclear.

Color Diagnostics, LLC DBA Color Health
Classification: Uncertain significance for Hereditary cancer-predisposing syndrome. Last evaluated: 2023-12-05. Review status: criteria provided, single submitter. Criteria: ACMG Guidelines, 2015. Collection method: clinical testing. Allele origin: germline.
Comment: This missense variant replaces lysine with arginine at codon 2163 of the APC protein. Computational prediction suggests that this variant may not impact protein structure and function (internally defined REVEL score threshold <= 0.5, PMID: 27666373). To our knowledge, functional studies have not been reported for this variant. This variant has not been reported in individuals affected with APC-related disorders in the literature. This variant has not been identified in the general population by the Genome Aggregation Database (gnomAD). The available evidence is insufficient to determine the role of this variant in disease conclusively. Therefore, this variant is classified as a Variant of Uncertain Significance.

NM_000038.6(APC):c.6488A>G (p.Lys2163Arg)

Gene: APC (APC regulator of Wnt signaling pathway; plus strand). Cytogenetic location: 5q22.2.
Variant type: single nucleotide variant.
Coding change: c.6488A>G on transcript NM_000038.6 (MANE Select); coding-DNA position 6488, A replaced by G.
Protein change: p.Lys2163Arg; replaces lysine 2163 with arginine.
Molecular consequence: missense variant.
Genome position (GRCh38, 1-based): chr5:112,842,082, A>G. VCF-style: chr5-112842082-A-G. GRCh37 (hg19) VCF-style: chr5-112177779-A-G.
Other names: c.6488A>G, p.Lys2163Arg (NM_001127510.3, NM_001354895.2); c.6434A>G, p.Lys2145Arg (NM_001127511.3); c.6542A>G, p.Lys2181Arg (NM_001354896.2); c.6518A>G, p.Lys2173Arg (NM_001354897.2); c.6413A>G, p.Lys2138Arg (NM_001354898.2); c.6404A>G, p.Lys2135Arg (NM_001354899.2); c.6365A>G, p.Lys2122Arg (NM_001354900.2); c.6311A>G, p.Lys2104Arg (NM_001354901.2); and 5 more; short protein forms K2145R, K2181R, K2003R, K2037R, K2062R, K2135R, K2173R, K1880R.
Identifiers: ClinVar variation 923560 (VCV000923560.7), dbSNP rs1554087458, ClinGen allele CA16035532.